The following is an entry in ClinVar:

NM_025114.4(CEP290):c.3494A>G (p.Gln1165Arg)

Gene: CEP290 (centrosomal protein 290; minus strand). Cytogenetic location: 12q21.32.
Variant type: single nucleotide variant.
Coding change: c.3494A>G on transcript NM_025114.4 (MANE Select); coding-DNA position 3494, A replaced by G.
Protein change: p.Gln1165Arg; replaces glutamine 1165 with arginine.
Molecular consequence: missense variant.
Genome position (GRCh38, 1-based): chr12:88,090,807, T>C on the plus strand (A>G on the coding strand, the complement: CEP290 is on the minus strand). VCF-style: chr12-88090807-T-C. GRCh37 (hg19) VCF-style: chr12-88484584-T-C.
Other names: short protein forms Q1165R.
Identifiers: ClinVar variation 3347201 (VCV003347201.1).
Genomic context (GRCh38, chr12:88,090,807, plus strand): 5'-ATTCTGAGGGACTCTACTTCCTTGTCCCTAGATTGTTGTTGTGCATTCAAAATTTCAACT[T>C]GTCTTCTGGCAATATCAGAAATCTCTCTCAGTCTAGGAAATGATAAGGTATTTCAGGAAC-3'
Protein context (NP_079390.3, residues 1155-1175): LREISDIARR[Gln1165Arg]VEILNAQQQS

ClinVar aggregate classification (germline): Uncertain significance (0 of 4 stars; one submission).

Conditions:
CEP290-related disorder. Also called: CEP290-related condition; CEP290-related disorders. Identifiers: MedGen CN239314.

gnomAD v4.1: 1 of 1,559,700 alleles (0.000064%); highest among the groups gnomAD compares: Non-Finnish European, 0.000087%; no homozygotes.

Submission:

PreventionGenetics, part of Exact Sciences
Classification: Uncertain significance for CEP290-related condition. Last evaluated: 2024-07-10. Review status: no assertion criteria provided. Collection method: clinical testing. Allele origin: germline.
Comment: The CEP290 c.3494A>G variant is predicted to result in the amino acid substitution p.Gln1165Arg. To our knowledge, this variant has not been reported in the literature or in a large population database, indicating this variant is rare. At this time, the clinical significance of this variant is uncertain due to the absence of conclusive functional and genetic evidence.